The following is an entry in ClinVar:

ClinVar aggregate classification (germline): Likely benign (1 of 4 stars; one submission).

gnomAD v4.1: 3 of 1,614,010 alleles (0.00019%); highest among the groups gnomAD compares: Non-Finnish European, 0.00017%; no homozygotes.

Submission:

CeGaT Center for Human Genetics Tuebingen
Classification: Likely benign. Last evaluated: 2026-05-01. Review status: criteria provided, single submitter. Criteria: CeGaT Center For Human Genetics Tuebingen Variant Classification Criteria Version 2. Collection method: clinical testing. Allele origin: germline. Affected: yes. Observed: 1 variant allele.
Comment: RHOBTB2: BP4, BP7

NM_015178.3(RHOBTB2):c.1212T>A (p.Pro404=)

Gene: RHOBTB2 (Rho related BTB domain containing 2; plus strand). Cytogenetic location: 8p21.3.
Variant type: single nucleotide variant.
Coding change: c.1212T>A on transcript NM_015178.3 (MANE Select); coding-DNA position 1212, T replaced by A.
Protein change: p.Pro404=; no amino-acid change (proline 404 retained).
Molecular consequence: synonymous variant.
Genome position (GRCh38, 1-based): chr8:23,007,457, T>A. VCF-style: chr8-23007457-T-A. GRCh37 (hg19) VCF-style: chr8-22864970-T-A.
Other names: c.1278T>A, p.Pro426= (NM_001160036.2); c.1233T>A, p.Pro411= (NM_001160037.2); c.1212T>A, p.Pro404= (NM_001374791.1).
Identifiers: ClinVar variation 4873444 (VCV004873444.2).
Genomic context (GRCh38, chr8:23,007,457, plus strand): 5'-TGTGCTGTCTTCCTGGAGCCGAGCTTTTGTGAGCATCCAGGAAGAGATGGCAGAAGATCC[T>A]CTCACCTACAAATCCCGGCTGATGGTGGTGGTGAAGATGGACAGTTCCATCCAGCCGGGG-3'
Protein context (NP_055993.2, residues 394-414): VSIQEEMAED[Pro404=]LTYKSRLMVV